The following is an entry in ClinVar:

ClinVar aggregate classification (germline): Uncertain significance. Review status: criteria provided, multiple submitters, no conflicts (2 of 4 stars). 3 submissions from 3 submitters: Uncertain significance (3). Last evaluated 2025-12-22.

Conditions:
Familial cancer of breast. Also called: BREAST CANCER, FAMILIAL; hereditary breast carcinoma; Hereditary breast cancer. Identifiers: Orphanet 227535, MedGen C0346153, MONDO:0016419, OMIM 114480. Disease mechanism: loss of function.
Hereditary cancer-predisposing syndrome. Also called: Neoplastic Syndromes, Hereditary; Hereditary Cancer Syndrome; Hereditary neoplastic syndrome; Tumor predisposition. Identifiers: Orphanet 140162, MedGen C0027672, MeSH D009386, MONDO:0015356.

Submissions (3):

Labcorp Genetics (formerly Invitae), Labcorp
Classification: Uncertain significance for Familial cancer of breast. Last evaluated: 2025-12-22. Review status: criteria provided, single submitter. Criteria: Invitae Variant Classification Sherloc (09022015). Collection method: clinical testing. Allele origin: germline.
Comment: This sequence change replaces cysteine, which is neutral and slightly polar, with glycine, which is neutral and non-polar, at codon 620 of the BARD1 protein (p.Cys620Gly). This variant is not present in population databases (gnomAD no frequency). This variant has not been reported in the literature in individuals affected with BARD1-related conditions. ClinVar contains an entry for this variant (Variation ID: 479116). An algorithm developed to predict the effect of missense changes on protein structure and function (PolyPhen-2) suggests that this variant is likely to be tolerated. In summary, the available evidence is currently insufficient to determine the role of this variant in disease. Therefore, it has been classified as a Variant of Uncertain Significance.

Ambry Genetics
Classification: Uncertain significance for Hereditary cancer-predisposing syndrome. Last evaluated: 2023-11-06. Review status: criteria provided, single submitter. Criteria: Ambry Variant Classification Scheme 2023. Collection method: clinical testing. Allele origin: germline.
Comment: The p.C620G variant (also known as c.1858T>G), located in coding exon 9 of the BARD1 gene, results from a T to G substitution at nucleotide position 1858. The cysteine at codon 620 is replaced by glycine, an amino acid with highly dissimilar properties. This amino acid position is highly conserved in available vertebrate species. In addition, the in silico prediction for this alteration is inconclusive. Since supporting evidence is limited at this time, the clinical significance of this alteration remains unclear.

Baylor Genetics
Classification: Uncertain significance for Familial cancer of breast. Last evaluated: 2023-10-03. Review status: criteria provided, single submitter. Criteria: ACMG Guidelines, 2015. Collection method: clinical testing. Allele origin: unknown.

NM_000465.4(BARD1):c.1858T>G (p.Cys620Gly)

Gene: BARD1 (BRCA1 associated RING domain 1; minus strand). Cytogenetic location: 2q35.
Variant type: single nucleotide variant.
Coding change: c.1858T>G on transcript NM_000465.4 (MANE Select); coding-DNA position 1858, T replaced by G.
Protein change: p.Cys620Gly; replaces cysteine 620 with glycine.
Molecular consequence: missense variant. On other transcripts: non-coding transcript variant (3), intron variant (1).
Genome position (GRCh38, 1-based): chr2:214,745,112, A>C on the plus strand (T>G on the coding strand, the complement: BARD1 is on the minus strand). VCF-style: chr2-214745112-A-C. GRCh37 (hg19) VCF-style: chr2-215609836-A-C.
Other names: c.1801T>G, p.Cys601Gly (NM_001282543.2); c.505T>G, p.Cys169Gly (NM_001282545.2); c.448T>G, p.Cys150Gly (NM_001282548.2); c.365-14604T>G (NM_001282549.2); short protein forms C620G, C150G, C169G, C601G.
Identifiers: ClinVar variation 479116 (VCV000479116.16), dbSNP rs786203673, ClinGen allele CA350452178.